The following is an entry in ClinVar:

NC_000018.9:g.(?_3214912)_(3215221_?)del

Gene: MYOM1 (myomesin 1; minus strand). Cytogenetic location: 18p11.31.
Variant type: Deletion.
Identifiers: ClinVar variation 2424760 (VCV002424760.4).

ClinVar aggregate classification (germline): Uncertain significance (1 of 4 stars; one submission).

Conditions:
Hypertrophic cardiomyopathy. Also called: HYPERTROPHIC MYOCARDIOPATHY. Identifiers: Orphanet 217569, MedGen C0007194, MeSH D002312, MONDO:0005045, HP:0001639.

Submission:

Labcorp Genetics (formerly Invitae), Labcorp
Classification: Uncertain significance for Hypertrophic cardiomyopathy. Last evaluated: 2022-06-07. Review status: criteria provided, single submitter. Criteria: Invitae Variant Classification Sherloc (09022015). Collection method: clinical testing. Allele origin: germline.
Comment: This variant has not been reported in the literature in individuals affected with MYOM1-related conditions. This variant is a gross deletion of the genomic region encompassing exon(s) 2 of the MYOM1 gene, which includes the initiator codon. This deletion extends beyond the assayed region for this gene and therefore may encompass additional genes. It is expected to result in an absent or disrupted protein product. However, the current clinical and genetic evidence is not sufficient to establish whether loss-of-function variants in MYOM1 cause disease. In summary, the available evidence is currently insufficient to determine the role of this variant in disease. Therefore, it has been classified as a Variant of Uncertain Significance.